The following is an entry in ClinVar:

ClinVar aggregate classification (germline): Uncertain significance (1 of 4 stars; one submission).

Conditions:
Paediatric disorders.

gnomAD v4.1: 11 of 1,613,868 alleles (0.00068%); highest among the groups gnomAD compares: African/African-American, 0.015%; no homozygotes.

Submission:

North West Genomic Laboratory Hub, Manchester University NHS Foundation Trust
Classification: Uncertain significance for Paediatric disorders. Last evaluated: 2026-05-04. Review status: criteria provided, single submitter. Criteria: ACGS Best Practice Guidelines for Variant Classification in Rare Disease 2024. Collection method: clinical testing. Allele origin: germline. Affected: yes.
Comment: BP4_Supp

NM_001170629.2(CHD8):c.6011C>A (p.Pro2004His)

Gene: CHD8 (chromodomain helicase DNA binding protein 8; minus strand). Cytogenetic location: 14q11.2.
Variant type: single nucleotide variant.
Coding change: c.6011C>A on transcript NM_001170629.2 (MANE Select); coding-DNA position 6011, C replaced by A.
Protein change: p.Pro2004His; replaces proline 2004 with histidine.
Molecular consequence: missense variant.
Genome position (GRCh38, 1-based): chr14:21,393,784, G>T on the plus strand (C>A on the coding strand, the complement: CHD8 is on the minus strand). VCF-style: chr14-21393784-G-T. GRCh37 (hg19) VCF-style: chr14-21861943-G-T.
Other names: c.5174C>A, p.Pro1725His (NM_020920.4); short protein forms P1725H, P2004H.
Identifiers: ClinVar variation 4851477 (VCV004851477.1).